The following is an entry in ClinVar:

ClinVar aggregate classification (germline): Uncertain significance (1 of 4 stars; one submission).

Conditions:
Neurodevelopmental disorder with hypotonia, brain anomalies, distinctive facies, and absent language. Also called: ReNU SYNDROME; RNU4-2–Related Autosomal Dominant Neurodevelopmental Disorder; RNU4-2-Related Neurodevelopmental Disorder. Identifiers: Orphanet 686488, MedGen C5935628, MONDO:0971172, OMIM 620851.

gnomAD v4.1: 5 of 152,174 alleles (0.0033%); highest among the groups gnomAD compares: African/African-American, 0.0048%; no homozygotes.

Submission:

Centre for Population Genomics, CPG
Classification: Uncertain significance for RNU4-2-Related Neurodevelopmental Disorder. Last evaluated: 2026-02-11. Review status: criteria provided, single submitter. Criteria: Ellingford et al. (Genome Med. 2022). Collection method: research. Allele origin: germline. Inheritance: Autosomal recessive inheritance. Affected: yes. Observed: 3 variant alleles, 3 homozygotes.
Comment: PM2_supp,PS3_supp,PM3

NR_003137.3(RNU4-2):n.140G>A

Gene: RNU4-2 (RNA, U4 small nuclear 2; minus strand). Cytogenetic location: 12q24.23.
Variant type: single nucleotide variant.
Molecular consequence: non-coding transcript variant (on NR_003137.3).
Genome position: GRCh38 VCF-style: chr12-120291764-C-T. GRCh37 (hg19) VCF-style: chr12-120729567-C-T.
Identifiers: ClinVar variation 4795829 (VCV004795829.1).